The following is an entry in ClinVar:

ClinVar aggregate classification (germline): Conflicting classifications of pathogenicity. Review status: criteria provided, conflicting classifications (1 of 4 stars). 2 submissions from 2 submitters: Uncertain significance (1); Likely benign (1). Last evaluated 2023-11-17.

Conditions:
Hereditary pancreatitis (PCTT). Also called: PRSS1-Related Hereditary Pancreatitis; Hereditary chronic pancreatitis. Identifiers: Orphanet 676, MedGen C0238339, MONDO:0008185, OMIM 167800.

Allele frequency attached by ClinVar (database versions not stated): gnomAD exomes 0.00001.
gnomAD v4.1: 8 of 1,614,192 alleles (0.0005%); highest among the groups gnomAD compares: Admixed American, 0.0033%; no homozygotes.

Submissions (2):

Ambry Genetics
Classification: Likely benign for Hereditary pancreatitis. Last evaluated: 2023-11-17. Review status: criteria provided, single submitter. Criteria: Ambry Variant Classification Scheme 2023. Collection method: clinical testing. Allele origin: germline.

Labcorp Genetics (formerly Invitae), Labcorp
Classification: Uncertain significance for Hereditary pancreatitis. Last evaluated: 2022-08-13. Review status: criteria provided, single submitter. Criteria: Invitae Variant Classification Sherloc (09022015). Collection method: clinical testing. Allele origin: germline.
Comment: ClinVar contains an entry for this variant (Variation ID: 660659). In summary, the available evidence is currently insufficient to determine the role of this variant in disease. Therefore, it has been classified as a Variant of Uncertain Significance. Advanced modeling of protein sequence and biophysical properties (such as structural, functional, and spatial information, amino acid conservation, physicochemical variation, residue mobility, and thermodynamic stability) performed at Invitae indicates that this missense variant is not expected to disrupt CTRC protein function. This variant has not been reported in the literature in individuals affected with CTRC-related conditions. This variant is present in population databases (no rsID available, gnomAD 0.006%). This sequence change replaces asparagine, which is neutral and polar, with aspartic acid, which is acidic and polar, at codon 52 of the CTRC protein (p.Asn52Asp).

NM_007272.3(CTRC):c.154A>G (p.Asn52Asp)

Gene: CTRC (chymotrypsin C; plus strand). Cytogenetic location: 1p36.21.
Variant type: single nucleotide variant.
Coding change: c.154A>G on transcript NM_007272.3 (MANE Select); coding-DNA position 154, A replaced by G.
Protein change: p.Asn52Asp; replaces asparagine 52 with aspartic acid.
Molecular consequence: missense variant.
Genome position (GRCh38, 1-based): chr1:15,440,514, A>G. VCF-style: chr1-15440514-A-G. GRCh37 (hg19) VCF-style: chr1-15767010-A-G.
Other names: short protein forms N52D.
Identifiers: ClinVar variation 660659 (VCV000660659.9), dbSNP rs1199793577, ClinGen allele CA338564986.